The following is an entry in ClinVar:

ClinVar aggregate classification (germline): Uncertain significance. Review status: criteria provided, multiple submitters, no conflicts (2 of 4 stars). 2 submissions from 2 submitters: Uncertain significance (2). Last evaluated 2021-08-15.

Conditions:
Cystic fibrosis (CF). Also called: MUCOVISCIDOSIS. Identifiers: Orphanet 586, MedGen C0010674, MONDO:0009061, OMIM 219700. Disease mechanism: loss of function.

Submissions (2):

Ambry Genetics
Classification: Uncertain significance for Cystic fibrosis. Last evaluated: 2021-08-15. Review status: criteria provided, single submitter. Criteria: Ambry Variant Classification Scheme 2023. Collection method: clinical testing. Allele origin: germline.
Comment: The p.L1399V variant (also known as c.4195C>G), located in coding exon 26 of the CFTR gene, results from a C to G substitution at nucleotide position 4195. The leucine at codon 1399 is replaced by valine, an amino acid with highly similar properties. This amino acid position is conserved. In addition, the in silico prediction for this alteration is inconclusive. Since supporting evidence is limited at this time, the clinical significance of this alteration remains unclear.

Eurofins Ntd Llc (ga)
Classification: Uncertain significance. Last evaluated: 2018-05-11. Review status: criteria provided, single submitter. Criteria: EGL ClinVar v180209 classification definitions. Collection method: clinical testing. Allele origin: germline. Observed: 1 variant allele, 1 heterozygote.

NM_000492.4(CFTR):c.4195C>G (p.Leu1399Val)

Gene: CFTR (CF transmembrane conductance regulator; plus strand). Cytogenetic location: 7q31.2.
Variant type: single nucleotide variant.
Coding change: c.4195C>G on transcript NM_000492.4 (MANE Select); coding-DNA position 4195, C replaced by G.
Protein change: p.Leu1399Val; replaces leucine 1399 with valine.
Molecular consequence: missense variant.
Genome position (GRCh38, 1-based): chr7:117,665,517, C>G. VCF-style: chr7-117665517-C-G. GRCh37 (hg19) VCF-style: chr7-117305571-C-G.
Other names: short protein forms L1399V.
Identifiers: ClinVar variation 597199 (VCV000597199.7), dbSNP rs1562929162, ClinGen allele CA368983619.